The following is an entry in ClinVar:

ClinVar aggregate classification (germline): Uncertain significance (1 of 4 stars; one submission).

gnomAD v4.1: 1 of 1,614,058 alleles (0.000062%); highest among the groups gnomAD compares: Non-Finnish European, 0.000085%; no homozygotes.

Submission:

Ambry Genetics
Classification: Uncertain significance. Last evaluated: 2025-06-22. Review status: criteria provided, single submitter. Criteria: Ambry Variant Classification Scheme 2023. Collection method: clinical testing. Allele origin: germline.
Comment: The p.T1353I variant (also known as c.4058C>T), located in coding exon 14 of the CDK12 gene, results from a C to T substitution at nucleotide position 4058. The threonine at codon 1353 is replaced by isoleucine, an amino acid with similar properties. This amino acid position is conserved. In addition, this alteration is predicted to be tolerated by in silico analysis. Based on the available evidence, the clinical significance of this variant remains unclear.

NM_016507.4(CDK12):c.4058C>T (p.Thr1353Ile)

Gene: CDK12 (cyclin dependent kinase 12; plus strand). Cytogenetic location: 17q12.
Variant type: single nucleotide variant.
Coding change: c.4058C>T on transcript NM_016507.4 (MANE Select); coding-DNA position 4058, C replaced by T.
Protein change: p.Thr1353Ile; replaces threonine 1353 with isoleucine.
Molecular consequence: missense variant.
Genome position (GRCh38, 1-based): chr17:39,530,901, C>T. VCF-style: chr17-39530901-C-T. GRCh37 (hg19) VCF-style: chr17-37687154-C-T.
Other names: c.4031C>T, p.Thr1344Ile (NM_015083.4); short protein forms T1353I, T1344I.
Identifiers: ClinVar variation 4224215 (VCV004224215.1).